The following is an entry in ClinVar:

ClinVar aggregate classification (germline): Likely benign (1 of 4 stars; one submission).

Conditions:
PHIP-related disorder. Also called: PHIP-related disorders; PHIP-related condition.

gnomAD v4.1: 6 of 1,607,754 alleles (0.00037%); highest among the groups gnomAD compares: African/African-American, 0.004%; no homozygotes.

Submission:

PreventionGenetics, part of Exact Sciences
Classification: Likely benign for PHIP-related condition. Last evaluated: 2024-10-07. Review status: criteria provided, single submitter. Criteria: ACMG Guidelines, 2015. Collection method: clinical testing. Allele origin: germline.
Comment: This variant is classified as likely benign based on ACMG/AMP sequence variant interpretation guidelines (Richards et al. 2015 PMID: 25741868, with internal and published modifications).

NM_017934.7(PHIP):c.450G>C (p.Leu150=)

Gene: PHIP (PHIP subunit of CUL4-Ring ligase complex; minus strand). Cytogenetic location: 6q14.1.
Variant type: single nucleotide variant.
Coding change: c.450G>C on transcript NM_017934.7 (MANE Select); coding-DNA position 450, G replaced by C.
Protein change: p.Leu150=; no amino-acid change (leucine 150 retained).
Molecular consequence: synonymous variant.
Genome position (GRCh38, 1-based): chr6:79,042,993, C>G on the plus strand (G>C on the coding strand, the complement: PHIP is on the minus strand). VCF-style: chr6-79042993-C-G. GRCh37 (hg19) VCF-style: chr6-79752710-C-G.
Identifiers: ClinVar variation 4984212 (VCV004984212.1).